The following is an entry in ClinVar:

ClinVar aggregate classification (germline): Uncertain significance. Review status: criteria provided, multiple submitters, no conflicts (2 of 4 stars). 2 submissions from 2 submitters: Uncertain significance (2). Last evaluated 2024-04-04.

Conditions:
Neuropathy, hereditary sensory and autonomic, type 2B (HSAN2B). Also called: RETREG1-Related HSAN2 (HSAN2B). Identifiers: Orphanet 970, MedGen C2751092, MONDO:0013142, OMIM 613115.

gnomAD v4.1: 6 of 1,603,190 alleles (0.00037%); highest among the groups gnomAD compares: Middle Eastern, 0.033%; no homozygotes.

Submissions (2):

Genomic Medicine Center of Excellence, King Faisal Specialist Hospital and Research Centre
Classification: Uncertain significance for Neuropathy, hereditary sensory and autonomic, type 2B. Last evaluated: 2024-04-04. Review status: criteria provided, single submitter. Criteria: ACMG Guidelines, 2015. Collection method: clinical testing. Allele origin: germline.

Labcorp Genetics (formerly Invitae), Labcorp
Classification: Uncertain significance. Last evaluated: 2022-06-22. Review status: criteria provided, single submitter. Criteria: Invitae Variant Classification Sherloc (09022015). Collection method: clinical testing. Allele origin: germline.
Comment: This variant is present in population databases (rs200065908, gnomAD 0.003%). This sequence change replaces tryptophan, which is neutral and slightly polar, with cysteine, which is neutral and slightly polar, at codon 107 of the RETREG1 protein (p.Trp107Cys). This variant has not been reported in the literature in individuals affected with RETREG1-related conditions. In summary, the available evidence is currently insufficient to determine the role of this variant in disease. Therefore, it has been classified as a Variant of Uncertain Significance. Algorithms developed to predict the effect of missense changes on protein structure and function are either unavailable or do not agree on the potential impact of this missense change (SIFT: "Deleterious"; PolyPhen-2: "Possibly Damaging"; Align-GVGD: "Class C0").

NM_001034850.3(RETREG1):c.321G>C (p.Trp107Cys)

Gene: RETREG1 (reticulophagy regulator 1; minus strand). Cytogenetic location: 5p15.1.
Variant type: single nucleotide variant.
Coding change: c.321G>C on transcript NM_001034850.3 (MANE Select); coding-DNA position 321, G replaced by C.
Protein change: p.Trp107Cys; replaces tryptophan 107 with cysteine.
Molecular consequence: missense variant.
Genome position (GRCh38, 1-based): chr5:16,572,102, C>G on the plus strand (G>C on the coding strand, the complement: RETREG1 is on the minus strand). VCF-style: chr5-16572102-C-G. GRCh37 (hg19) VCF-style: chr5-16572211-C-G.
Other names: short protein forms W107C.
Identifiers: ClinVar variation 2063604 (VCV002063604.3), dbSNP rs200065908, ClinGen allele CA3210502.